The following is an entry in ClinVar:

NM_001242850.2(RNF146):c.567C>T (p.Thr189=)

Gene: RNF146 (ring finger protein 146; plus strand). Cytogenetic location: 6q22.33.
Variant type: single nucleotide variant.
Coding change: c.567C>T on transcript NM_001242850.2 (MANE Select); coding-DNA position 567, C replaced by T.
Protein change: p.Thr189=; no amino-acid change (threonine 189 retained).
Molecular consequence: synonymous variant.
Genome position (GRCh38, 1-based): chr6:127,287,180, C>T. VCF-style: chr6-127287180-C-T. GRCh37 (hg19) VCF-style: chr6-127608325-C-T.
Other names: c.564C>T, p.Thr188= (NM_001242848.2, NM_001242852.2, NM_030963.4 and 4 more transcripts); c.567C>T, p.Thr189= (NM_001242849.2, NM_001242851.1).
Identifiers: ClinVar variation 2656899 (VCV002656899.24), dbSNP rs151195633, ClinGen allele CA3988416.
Genomic context (GRCh38, chr6:127,287,180, plus strand): 5'-TATAATAGATATACCAAAGAAGGGAGTAGCTGGACTTAGGCTAGACTGTGATGCTAATAC[C>T]GTAAACCTAGCAAGAGAGAGCTCTGCTGACGGAGCGGACAGTGTATCAGCACAGAGTGGA-3'
Protein context (NP_001229779.1, residues 179-199): AGLRLDCDAN[Thr189=]VNLARESSAD

ClinVar aggregate classification (germline): Likely benign (1 of 4 stars; one submission).

Allele frequency attached by ClinVar (database versions not stated): 1000 Genomes Project 0.00040; 1000 Genomes Project 30x 0.00047; gnomAD 0.00118; TOPMed 0.00119; ExAC 0.00122; ESP Exome Variant Server 0.00154; gnomAD exomes 0.00179.
gnomAD v4.1: 2,734 of 1,613,216 alleles (0.17%); highest among the groups gnomAD compares: Non-Finnish European, 0.22%; 1 homozygote.

Submission:

CeGaT Center for Human Genetics Tuebingen
Classification: Likely benign. Last evaluated: 2023-01-01. Review status: criteria provided, single submitter. Criteria: CeGaT Center For Human Genetics Tuebingen Variant Classification Criteria Version 2. Collection method: clinical testing. Allele origin: germline. Affected: yes. Observed: 1 variant allele.
Comment: RNF146: BP4, BP7